The following is an entry in ClinVar:

NM_153252.5(BRWD3):c.2633C>T (p.Thr878Ile)

Gene: BRWD3 (bromodomain and WD repeat domain containing 3; minus strand). Cytogenetic location: Xq21.1.
Variant type: single nucleotide variant.
Coding change: c.2633C>T on transcript NM_153252.5 (MANE Select); coding-DNA position 2633, C replaced by T.
Protein change: p.Thr878Ile; replaces threonine 878 with isoleucine.
Molecular consequence: missense variant.
Genome position (GRCh38, 1-based): chrX:80,704,766, G>A on the plus strand (C>T on the coding strand, the complement: BRWD3 is on the minus strand). VCF-style: chrX-80704766-G-A. GRCh37 (hg19) VCF-style: chrX-79960265-G-A.
Other names: short protein forms T878I.
Identifiers: ClinVar variation 1312823 (VCV001312823.2), dbSNP rs2147716604, ClinGen allele CA413626922.

ClinVar aggregate classification (germline): Uncertain significance (1 of 4 stars; one submission).

gnomAD v4.1: 1 of 1,210,803 alleles (0.000083%); highest among the groups gnomAD compares: Non-Finnish European, 0.00011%; no homozygotes.

Submission:

GeneDx
Classification: Uncertain significance. Last evaluated: 2020-07-10. Review status: criteria provided, single submitter. Criteria: GeneDx Variant Classification Process June 2021. Collection method: clinical testing. Allele origin: germline. Affected: yes.
Comment: Not observed in large population cohorts (Lek et al., 2016); In silico analysis supports that this missense variant does not alter protein structure/function; Has not been previously published as pathogenic or benign to our knowledge